The following is an entry in ClinVar:

ClinVar aggregate classification (germline): Uncertain significance (1 of 4 stars; one submission).

Conditions:
Spastic paraplegia. Identifiers: MedGen C0037772, HP:0001258.

Allele frequency attached by ClinVar (database versions not stated): gnomAD exomes below 0.00001.
gnomAD v4.1: 1 of 1,613,902 alleles (0.000062%); no homozygotes.

Submission:

Labcorp Genetics (formerly Invitae), Labcorp
Classification: Uncertain significance for Spastic paraplegia. Last evaluated: 2023-10-03. Review status: criteria provided, single submitter. Criteria: Invitae Variant Classification Sherloc (09022015). Collection method: clinical testing. Allele origin: germline.
Comment: This sequence change replaces alanine, which is neutral and non-polar, with proline, which is neutral and non-polar, at codon 2007 of the SACS protein (p.Ala2007Pro). This variant is not present in population databases (gnomAD no frequency). This variant has not been reported in the literature in individuals affected with SACS-related conditions. ClinVar contains an entry for this variant (Variation ID: 1978542). Advanced modeling of protein sequence and biophysical properties (such as structural, functional, and spatial information, amino acid conservation, physicochemical variation, residue mobility, and thermodynamic stability) performed at Invitae indicates that this missense variant is not expected to disrupt SACS protein function. In summary, the available evidence is currently insufficient to determine the role of this variant in disease. Therefore, it has been classified as a Variant of Uncertain Significance.

NM_014363.6(SACS):c.6019G>C (p.Ala2007Pro)

Gene: SACS (sacsin molecular chaperone; minus strand). Cytogenetic location: 13q12.12.
Variant type: single nucleotide variant.
Coding change: c.6019G>C on transcript NM_014363.6 (MANE Select); coding-DNA position 6019, G replaced by C.
Protein change: p.Ala2007Pro; replaces alanine 2007 with proline.
Molecular consequence: missense variant.
Genome position (GRCh38, 1-based): chr13:23,337,857, C>G on the plus strand (G>C on the coding strand, the complement: SACS is on the minus strand). VCF-style: chr13-23337857-C-G. GRCh37 (hg19) VCF-style: chr13-23911996-C-G.
Other names: c.5578G>C, p.Ala1860Pro (NM_001278055.2); short protein forms A1860P, A2007P.
Identifiers: ClinVar variation 1978542 (VCV001978542.4), dbSNP rs1868794136, ClinGen allele CA387524079.